The following is an entry in ClinVar:

NM_004360.5(CDH1):c.2260T>A (p.Tyr754Asn)

Gene: CDH1 (cadherin 1; plus strand). Cytogenetic location: 16q22.1.
Variant type: single nucleotide variant.
Coding change: c.2260T>A on transcript NM_004360.5 (MANE Select); coding-DNA position 2260, T replaced by A.
Protein change: p.Tyr754Asn; replaces tyrosine 754 with asparagine.
Molecular consequence: missense variant.
Genome position (GRCh38, 1-based): chr16:68,828,269, T>A. VCF-style: chr16-68828269-T-A. GRCh37 (hg19) VCF-style: chr16-68862172-T-A.
Other names: c.2077T>A, p.Tyr693Asn (NM_001317184.2); c.712T>A, p.Tyr238Asn (NM_001317185.2); c.295T>A, p.Tyr99Asn (NM_001317186.2); short protein forms Y754N, Y99N, Y693N, Y238N.
Identifiers: ClinVar variation 5033938 (VCV005033938.1).
Genomic context (GRCh38, chr16:68,828,269, plus strand): 5'-AGAGCGGTGGTCAAAGAGCCCTTACTGCCCCCAGAGGATGACACCCGGGACAACGTTTAT[T>A]ACTATGATGAAGAAGGAGGCGGAGAAGAGGACCAGGTGGGTTTTGAAAACCTTGGTAGCT-3'
Protein context (NP_004351.1, residues 744-764): PEDDTRDNVY[Tyr754Asn]YDEEGGGEED

ClinVar aggregate classification (germline): Uncertain significance (1 of 4 stars; one submission).

Conditions:
Hereditary cancer-predisposing syndrome. Also called: Neoplastic Syndromes, Hereditary; Tumor predisposition; Hereditary neoplastic syndrome; Hereditary Cancer Syndrome. Identifiers: Orphanet 140162, MedGen C0027672, MeSH D009386, MONDO:0015356.

Submission:

Ambry Genetics
Classification: Uncertain significance for Hereditary cancer-predisposing syndrome. Last evaluated: 2026-07-06. Review status: criteria provided, single submitter. Criteria: Ambry Variant Classification Scheme 2023. Collection method: clinical testing. Allele origin: germline.
Comment: The p.Y754N variant (also known as c.2260T>A), located in coding exon 14 of the CDH1 gene, results from a T to A substitution at nucleotide position 2260. The tyrosine at codon 754 is replaced by asparagine, an amino acid with dissimilar properties. This amino acid position is conserved. In addition, this alteration is predicted to be tolerated by in silico analysis. Based on the available evidence, the clinical significance of this variant remains unclear.